The following is an entry in ClinVar:

ClinVar aggregate classification (germline): Uncertain significance (1 of 4 stars; one submission).

Submission:

Labcorp Genetics (formerly Invitae), Labcorp
Classification: Uncertain significance. Last evaluated: 2022-03-11. Review status: criteria provided, single submitter. Criteria: Invitae Variant Classification Sherloc (09022015). Collection method: clinical testing. Allele origin: germline.
Comment: In summary, the available evidence is currently insufficient to determine the role of this variant in disease. Therefore, it has been classified as a Variant of Uncertain Significance. Algorithms developed to predict the effect of missense changes on protein structure and function (SIFT, PolyPhen-2, Align-GVGD) all suggest that this variant is likely to be disruptive. This variant has not been reported in the literature in individuals affected with PEX3-related conditions. This variant is not present in population databases (gnomAD no frequency). This sequence change replaces arginine, which is basic and polar, with isoleucine, which is neutral and non-polar, at codon 114 of the PEX3 protein (p.Arg114Ile).

NM_003630.3(PEX3):c.341G>T (p.Arg114Ile)

Gene: PEX3 (peroxisomal biogenesis factor 3; plus strand). Cytogenetic location: 6q24.2.
Variant type: single nucleotide variant.
Coding change: c.341G>T on transcript NM_003630.3 (MANE Select); coding-DNA position 341, G replaced by T.
Protein change: p.Arg114Ile; replaces arginine 114 with isoleucine.
Molecular consequence: missense variant.
Genome position (GRCh38, 1-based): chr6:143,470,970, G>T. VCF-style: chr6-143470970-G-T. GRCh37 (hg19) VCF-style: chr6-143792107-G-T.
Other names: short protein forms R114I.
Identifiers: ClinVar variation 2109416 (VCV002109416.4), dbSNP rs2537196681, ClinGen allele CA365909476.
Genomic context (GRCh38, chr6:143,470,970, plus strand): 5'-TACACATTTGTATTAATCACAGTACCAAATGCTTTTCTTTTCTCTGTGAAGGTTTCACAA[G>T]AAGTACTGTGGCTGTATACAGTACCTGTATGCTGGTTGTTCTTTTGCGGGTCCAGTTAAA-3'
Protein context (NP_003621.1, residues 104-124): WEDLKIISFT[Arg114Ile]STVAVYSTCM